The following is an entry in ClinVar:

ClinVar aggregate classification (germline): Conflicting classifications of pathogenicity. Review status: criteria provided, conflicting classifications (1 of 4 stars). 4 submissions from 4 submitters: Uncertain significance (1); Likely benign (2). 1 of the submissions does not count toward it. Last evaluated 2026-01-12.

Conditions:
PEX5-related disorder. Also called: PEX5-related condition; PEX5-Related Disorders.
Peroxisome biogenesis disorder 2B (PBD2B). Identifiers: Orphanet 44, MedGen C3550234, MONDO:0008736, OMIM 202370.

Allele frequency attached by ClinVar (database versions not stated): ExAC 0.00005; ESP Exome Variant Server 0.00008; gnomAD 0.00011; TOPMed 0.00013; 1000 Genomes Project 30x 0.00016; 1000 Genomes Project 0.00020; gnomAD exomes 0.00001 and 0.00002.
gnomAD v4.1: 33 of 1,614,146 alleles (0.002%); highest among the groups gnomAD compares: African/African-American, 0.037%; 1 homozygote.

Submissions (4):

Labcorp Genetics (formerly Invitae), Labcorp
Classification: Likely benign for Peroxisome biogenesis disorder 2B. Last evaluated: 2026-01-12. Review status: criteria provided, single submitter. Criteria: Invitae Variant Classification Sherloc (09022015). Collection method: clinical testing. Allele origin: germline.

Blueprint Genetics
Classification: Likely benign. Last evaluated: 2024-07-22. Review status: criteria provided, single submitter. Criteria: ACMG Guidelines, 2015. Collection method: clinical testing. Allele origin: germline.

Eurofins Ntd Llc (ga)
Classification: Uncertain significance. Last evaluated: 2018-07-24. Review status: criteria provided, single submitter. Criteria: EGL ClinVar v180209 classification definitions. Collection method: clinical testing. Allele origin: germline. Observed: 2 variant alleles, 2 heterozygotes.

PreventionGenetics, part of Exact Sciences
Classification: Likely benign for PEX5-related condition. Last evaluated: 2023-01-24. Review status: no assertion criteria provided. Collection method: clinical testing. Allele origin: germline. Not counted in ClinVar's aggregate classification.
Comment: This variant is classified as likely benign based on ACMG/AMP sequence variant interpretation guidelines (Richards et al. 2015 PMID: 25741868, with internal and published modifications).

NM_001351132.2(PEX5):c.258C>T (p.Asp86=)

Gene: PEX5 (peroxisomal biogenesis factor 5; plus strand). Cytogenetic location: 12p13.31.
Variant type: single nucleotide variant.
Coding change: c.258C>T on transcript NM_001351132.2 (MANE Select); coding-DNA position 258, C replaced by T.
Protein change: p.Asp86=; no amino-acid change (aspartic acid 86 retained).
Molecular consequence: synonymous variant.
Genome position (GRCh38, 1-based): chr12:7,191,300, C>T. VCF-style: chr12-7191300-C-T. GRCh37 (hg19) VCF-style: chr12-7343896-C-T.
Other names: c.258C>T (NM_001131025.1); c.258C>T, p.Asp86= (NM_000319.5, NM_001131024.2, NM_001131025.2 and 19 more transcripts); c.303C>T, p.Asp101= (NM_001131023.2, NM_001351135.3, NM_001351138.2).
Identifiers: ClinVar variation 287004 (VCV000287004.15), dbSNP rs144351488, ClinGen allele CA6426074.